The following is an entry in ClinVar:

ClinVar aggregate classification (germline): Conflicting classifications of pathogenicity. Review status: criteria provided, conflicting classifications (1 of 4 stars). 3 submissions from 3 submitters: Likely pathogenic (1); Uncertain significance (2). Last evaluated 2024-12-09.

Conditions:
Abnormal brain morphology. Also called: Abnormality of brain morphology. Identifiers: MedGen C4021085, HP:0012443.

Allele frequency attached by ClinVar (database versions not stated): gnomAD exomes 0.00007 and 0.00011; ESP Exome Variant Server 0.00008; ExAC 0.00010; gnomAD 0.00010 and 0.00012; TOPMed 0.00016.

Submissions (3):

Labcorp Genetics (formerly Invitae), Labcorp
Classification: Uncertain significance. Last evaluated: 2024-12-09. Review status: criteria provided, single submitter. Criteria: Invitae Variant Classification Sherloc (09022015). Collection method: clinical testing. Allele origin: germline.
Comment: This sequence change replaces glycine, which is neutral and non-polar, with arginine, which is basic and polar, at codon 570 of the PLEKHG2 protein (p.Gly570Arg). This variant is present in population databases (rs370673772, gnomAD 0.02%). This missense change has been observed in individual(s) with clinical features of leukodystrophy and acquired microcephaly with or without dystonia (PMID: 26539891). ClinVar contains an entry for this variant (Variation ID: 402163). An algorithm developed to predict the effect of missense changes on protein structure and function outputs the following: PolyPhen-2: "Benign". The arginine amino acid residue is found in multiple mammalian species, which suggests that this missense change does not adversely affect protein function. In summary, the available evidence is currently insufficient to determine the role of this variant in disease. Therefore, it has been classified as a Variant of Uncertain Significance.

Center for Pediatric Genomic Medicine, Children's Mercy Hospital and Clinics
Classification: Uncertain significance. Last evaluated: 2017-06-20. Review status: criteria provided, single submitter. Criteria: ACMG Guidelines, 2015. Collection method: clinical testing. Allele origin: germline.

Lupski Lab, Baylor-Hopkins CMG, Baylor College of Medicine
Classification: Likely pathogenic for Abnormal brain morphology. Review status: criteria provided, single submitter. Criteria: Karaca et al. (Neuron 2015). Collection method: research. Allele origin: inherited. Inheritance: Autosomal recessive inheritance. Affected: yes.

Literature cited by the submitters: PubMed 26539891 (cited by Labcorp Genetics (formerly Invitae), Labcorp).

NM_022835.3(PLEKHG2):c.1708G>A (p.Gly570Arg)

Gene: PLEKHG2 (pleckstrin homology and RhoGEF domain containing G2; plus strand). Cytogenetic location: 19q13.2.
Variant type: single nucleotide variant.
Coding change: c.1708G>A on transcript NM_022835.3 (MANE Select); coding-DNA position 1708, G replaced by A.
Protein change: p.Gly570Arg; replaces glycine 570 with arginine.
Molecular consequence: missense variant. On other transcripts: intron variant (1).
Genome position (GRCh38, 1-based): chr19:39,422,762, G>A. VCF-style: chr19-39422762-G-A. GRCh37 (hg19) VCF-style: chr19-39913402-G-A.
Other names: c.1531G>A, p.Gly511Arg (NM_001351693.2); c.1677+474G>A (NM_001351694.2); short protein forms G570R, G511R.
Identifiers: ClinVar variation 402163 (VCV000402163.6), dbSNP rs370673772, ClinGen allele CA9429635.